The following is an entry in ClinVar:

NM_012268.4(PLD3):c.1081C>T (p.Arg361Cys)

Gene: PLD3 (phospholipase D family member 3; plus strand). Cytogenetic location: 19q13.2.
Variant type: single nucleotide variant.
Coding change: c.1081C>T on transcript NM_012268.4 (MANE Select); coding-DNA position 1081, C replaced by T.
Protein change: p.Arg361Cys; replaces arginine 361 with cysteine.
Molecular consequence: missense variant.
Genome position (GRCh38, 1-based): chr19:40,376,670, C>T. VCF-style: chr19-40376670-C-T. GRCh37 (hg19) VCF-style: chr19-40882577-C-T.
Other names: c.1081C>T, p.Arg361Cys (NM_001031696.4, NM_001291311.2); short protein forms R361C.
Identifiers: ClinVar variation 3700226 (VCV003700226.2).

ClinVar aggregate classification (germline): Uncertain significance (1 of 4 stars; one submission).

gnomAD v4.1: 10 of 1,606,646 alleles (0.00062%); highest among the groups gnomAD compares: South Asian, 0.0066%; no homozygotes.

Submission:

Labcorp Genetics (formerly Invitae), Labcorp
Classification: Uncertain significance. Last evaluated: 2024-12-04. Review status: criteria provided, single submitter. Criteria: Invitae Variant Classification Sherloc (09022015). Collection method: clinical testing. Allele origin: germline.
Comment: This sequence change replaces arginine, which is basic and polar, with cysteine, which is neutral and slightly polar, at codon 361 of the PLD3 protein (p.Arg361Cys). The frequency data for this variant in the population databases is considered unreliable, as metrics indicate poor data quality at this position in the gnomAD database. This variant has not been reported in the literature in individuals affected with PLD3-related conditions. An algorithm developed to predict the effect of missense changes on protein structure and function (PolyPhen-2) suggests that this variant is likely to be disruptive. In summary, the available evidence is currently insufficient to determine the role of this variant in disease. Therefore, it has been classified as a Variant of Uncertain Significance.